The following is an entry in ClinVar:

ClinVar aggregate classification (germline): Pathogenic (1 of 4 stars; one submission).

Conditions:
Joubert syndrome. Also called: CEREBELLOPARENCHYMAL DISORDER IV; JOUBERT-BOLTSHAUSER SYNDROME; Familial aplasia of the vermis. Identifiers: Orphanet 475, MedGen C5979921, MONDO:0018772.
Meckel-Gruber syndrome. Also called: DYSENCEPHALIA SPLANCHNOCYSTICA; GRUBER SYNDROME; Dysencephalia splachnocystica. Identifiers: Orphanet 564, MedGen C0265215, MONDO:0018921.

Allele frequency attached by ClinVar (database versions not stated): gnomAD exomes below 0.00001.
gnomAD v4.1: 5 of 1,609,550 alleles (0.00031%); highest among the groups gnomAD compares: Non-Finnish European, 0.00042%; no homozygotes.

Submission:

Labcorp Genetics (formerly Invitae), Labcorp
Classification: Pathogenic for Joubert syndrome; Meckel-Gruber syndrome. Last evaluated: 2020-11-25. Review status: criteria provided, single submitter. Criteria: Invitae Variant Classification Sherloc (09022015). Collection method: clinical testing. Allele origin: germline.
Comment: For these reasons, this variant has been classified as Pathogenic. This variant has not been reported in the literature in individuals with TMEM67-related conditions. This variant is not present in population databases (ExAC no frequency). This sequence change creates a premature translational stop signal (p.Trp238*) in the TMEM67 gene. It is expected to result in an absent or disrupted protein product. Loss-of-function variants in TMEM67 are known to be pathogenic (PMID: 20232449).

Literature cited by the submitters: PubMed 20232449.

NM_153704.6(TMEM67):c.714G>A (p.Trp238Ter)

Gene: TMEM67 (transmembrane protein 67; plus strand). Cytogenetic location: 8q22.1.
Variant type: single nucleotide variant.
Coding change: c.714G>A on transcript NM_153704.6 (MANE Select); coding-DNA position 714, G replaced by A.
Protein change: p.Trp238Ter; replaces tryptophan 238 with a stop codon.
Molecular consequence: nonsense. On other transcripts: non-coding transcript variant (1).
Genome position (GRCh38, 1-based): chr8:93,772,651, G>A. VCF-style: chr8-93772651-G-A. GRCh37 (hg19) VCF-style: chr8-94784879-G-A.
Other names: c.471G>A, p.Trp157Ter (NM_001142301.1); short protein forms W157*, W238*.
Identifiers: ClinVar variation 1352682 (VCV001352682.6), dbSNP rs1038920023, ClinGen allele CA371687385.